The following is an entry in ClinVar:

ClinVar aggregate classification (germline): Uncertain significance (1 of 4 stars; one submission).

Allele frequency attached by ClinVar (database versions not stated): ExAC 0.00003; gnomAD exomes 0.00004 and 0.00005; TOPMed 0.00004; gnomAD 0.00006.
gnomAD v4.1: 80 of 1,614,080 alleles (0.005%); highest among the groups gnomAD compares: Admixed American, 0.0067%; no homozygotes.

Submission:

Labcorp Genetics (formerly Invitae), Labcorp
Classification: Uncertain significance. Last evaluated: 2025-01-13. Review status: criteria provided, single submitter. Criteria: Invitae Variant Classification Sherloc (09022015). Collection method: clinical testing. Allele origin: germline.
Comment: This sequence change replaces threonine, which is neutral and polar, with isoleucine, which is neutral and non-polar, at codon 655 of the RGS9 protein (p.Thr655Ile). This variant is present in population databases (rs567985346, gnomAD 0.008%). This variant has not been reported in the literature in individuals affected with RGS9-related conditions. ClinVar contains an entry for this variant (Variation ID: 1015685). An algorithm developed to predict the effect of missense changes on protein structure and function (PolyPhen-2) suggests that this variant¬†is likely to be tolerated. In summary, the available evidence is currently insufficient to determine the role of this variant in disease. Therefore, it has been classified as a Variant of Uncertain Significance.

NM_003835.4(RGS9):c.1964C>T (p.Thr655Ile)

Gene: RGS9 (regulator of G protein signaling 9; plus strand). Cytogenetic location: 17q24.1.
Variant type: single nucleotide variant.
Coding change: c.1964C>T on transcript NM_003835.4 (MANE Select); coding-DNA position 1964, C replaced by T.
Protein change: p.Thr655Ile; replaces threonine 655 with isoleucine.
Molecular consequence: missense variant.
Genome position (GRCh38, 1-based): chr17:65,227,346, C>T. VCF-style: chr17-65227346-C-T. GRCh37 (hg19) VCF-style: chr17-63223464-C-T.
Other names: c.1955C>T, p.Thr652Ile (NM_001081955.3); short protein forms T652I, T655I.
Identifiers: ClinVar variation 1015685 (VCV001015685.9), dbSNP rs567985346, ClinGen allele CA8718218.